The following is an entry in ClinVar:

NM_001197104.2(KMT2A):c.6596G>A (p.Ser2199Asn)

Gene: KMT2A (lysine methyltransferase 2A; plus strand). Cytogenetic location: 11q23.3.
Variant type: single nucleotide variant.
Coding change: c.6596G>A on transcript NM_001197104.2 (MANE Select); coding-DNA position 6596, G replaced by A.
Protein change: p.Ser2199Asn; replaces serine 2199 with asparagine.
Molecular consequence: missense variant.
Genome position (GRCh38, 1-based): chr11:118,502,488, G>A. VCF-style: chr11-118502488-G-A. GRCh37 (hg19) VCF-style: chr11-118373203-G-A.
Other names: c.6686G>A, p.Ser2229Asn (NM_001412597.1); c.6587G>A, p.Ser2196Asn (NM_005933.4); short protein forms S2196N, S2199N, S2229N.
Identifiers: ClinVar variation 2642428 (VCV002642428.26), dbSNP rs1591280389, ClinGen allele CA382802345.

ClinVar aggregate classification (germline): Uncertain significance. Review status: criteria provided, multiple submitters, no conflicts (2 of 4 stars). 3 submissions from 3 submitters: Uncertain significance (3). Last evaluated 2025-08-04.

gnomAD v4.1: 1 of 1,614,008 alleles (0.000062%); highest among the groups gnomAD compares: Non-Finnish European, 0.000085%; no homozygotes.

Submissions (3):

Labcorp Genetics (formerly Invitae), Labcorp
Classification: Uncertain significance. Last evaluated: 2025-08-04. Review status: criteria provided, single submitter. Criteria: Invitae Variant Classification Sherloc (09022015). Collection method: clinical testing. Allele origin: germline.
Comment: This sequence change replaces serine, which is neutral and polar, with asparagine, which is neutral and polar, at codon 2199 of the KMT2A protein (p.Ser2199Asn). This variant is not present in population databases (gnomAD no frequency). This variant has not been reported in the literature in individuals affected with KMT2A-related conditions. ClinVar contains an entry for this variant (Variation ID: 2642428). Invitae Evidence Modeling of protein sequence and biophysical properties (such as structural, functional, and spatial information, amino acid conservation, physicochemical variation, residue mobility, and thermodynamic stability) has been performed for this missense variant. However, the output from this modeling did not meet the statistical confidence thresholds required to predict the impact of this variant on KMT2A protein function. In summary, the available evidence is currently insufficient to determine the role of this variant in disease. Therefore, it has been classified as a Variant of Uncertain Significance.

CeGaT Center for Human Genetics Tuebingen
Classification: Uncertain significance. Last evaluated: 2022-12-01. Review status: criteria provided, single submitter. Criteria: CeGaT Center For Human Genetics Tuebingen Variant Classification Criteria Version 2. Collection method: clinical testing. Allele origin: germline. Affected: yes. Observed: 1 variant allele.
Comment: KMT2A: PM2

Blueprint Genetics
Classification: Uncertain significance. Last evaluated: 2021-02-16. Review status: criteria provided, single submitter. Criteria: ACMG Guidelines, 2015. Collection method: clinical testing. Allele origin: germline.